The following is an entry in ClinVar:

ClinVar aggregate classification (germline): Uncertain significance (0 of 4 stars; one submission).

Conditions:
TBX3-related disorder. Also called: TBX3-related condition.

gnomAD v4.1: 2 of 1,582,814 alleles (0.00013%); highest among the groups gnomAD compares: Non-Finnish European, 0.000086%; no homozygotes.

Submission:

PreventionGenetics, part of Exact Sciences
Classification: Uncertain significance for TBX3-related condition. Last evaluated: 2024-08-22. Review status: no assertion criteria provided. Collection method: clinical testing. Allele origin: germline.
Comment: The TBX3 c.1762G>A variant is predicted to result in the amino acid substitution p.Ala588Thr. To our knowledge, this variant has not been reported in the literature or in a large population database, indicating this variant is rare. At this time, the clinical significance of this variant is uncertain due to the absence of conclusive functional and genetic evidence.

NM_005996.4(TBX3):c.1702G>A (p.Ala568Thr)

Gene: TBX3 (T-box transcription factor 3; minus strand). Cytogenetic location: 12q24.21.
Variant type: single nucleotide variant.
Coding change: c.1702G>A on transcript NM_005996.4 (MANE Select); coding-DNA position 1702, G replaced by A.
Protein change: p.Ala568Thr; replaces alanine 568 with threonine.
Molecular consequence: missense variant.
Genome position (GRCh38, 1-based): chr12:114,674,173, C>T on the plus strand (G>A on the coding strand, the complement: TBX3 is on the minus strand). VCF-style: chr12-114674173-C-T. GRCh37 (hg19) VCF-style: chr12-115111978-C-T.
Other names: c.1762G>A, p.Ala588Thr (NM_016569.4); short protein forms A568T, A588T.
Identifiers: ClinVar variation 3349864 (VCV003349864.1).
Genomic context (GRCh38, chr12:114,674,173, plus strand): 5'-AAACTGGACGAAAGGTGGAAAGACTGGTGGAGGCAGGAAGAAGGATCCATACCTGAGAGG[C>T]CAGGACGTGCTGCTGGAGGTGGAAGGGCAGGGTGGCCGCGGACGCCCCGGACAGTCCCTG-3'
Protein context (NP_005987.3, residues 558-578): LPFHLQQHVL[Ala568Thr]SQGLAMSPFG